The following is an entry in ClinVar:

NM_025114.4(CEP290):c.3198A>T (p.Glu1066Asp)

Gene: CEP290 (centrosomal protein 290; minus strand). Cytogenetic location: 12q21.32.
Variant type: single nucleotide variant.
Coding change: c.3198A>T on transcript NM_025114.4 (MANE Select); coding-DNA position 3198, A replaced by T.
Protein change: p.Glu1066Asp; replaces glutamic acid 1066 with aspartic acid.
Molecular consequence: missense variant.
Genome position (GRCh38, 1-based): chr12:88,093,881, T>A on the plus strand (A>T on the coding strand, the complement: CEP290 is on the minus strand). VCF-style: chr12-88093881-T-A. GRCh37 (hg19) VCF-style: chr12-88487658-T-A.
Other names: short protein forms E1066D.
Identifiers: ClinVar variation 1973571 (VCV001973571.4), dbSNP rs2037232190, ClinGen allele CA386006214.

ClinVar aggregate classification (germline): Uncertain significance (1 of 4 stars; one submission).

Conditions:
Joubert syndrome. Also called: CEREBELLOPARENCHYMAL DISORDER IV; JOUBERT-BOLTSHAUSER SYNDROME; Familial aplasia of the vermis. Identifiers: Orphanet 475, MedGen C5979921, MONDO:0018772.
Meckel-Gruber syndrome. Also called: DYSENCEPHALIA SPLANCHNOCYSTICA; GRUBER SYNDROME; Dysencephalia splachnocystica. Identifiers: Orphanet 564, MedGen C0265215, MONDO:0018921.
Nephronophthisis. Also called: Juvenile Nephronophthisis. Identifiers: Orphanet 655, MedGen C0687120, MONDO:0019005, HP:0000090.

Submission:

Labcorp Genetics (formerly Invitae), Labcorp
Classification: Uncertain significance for Joubert syndrome; Meckel-Gruber syndrome; Nephronophthisis. Last evaluated: 2022-07-06. Review status: criteria provided, single submitter. Criteria: Invitae Variant Classification Sherloc (09022015). Collection method: clinical testing. Allele origin: germline.
Comment: In summary, the available evidence is currently insufficient to determine the role of this variant in disease. Therefore, it has been classified as a Variant of Uncertain Significance. This sequence change replaces glutamic acid, which is acidic and polar, with aspartic acid, which is acidic and polar, at codon 1066 of the CEP290 protein (p.Glu1066Asp). This variant is not present in population databases (gnomAD no frequency). This variant has not been reported in the literature in individuals affected with CEP290-related conditions. Algorithms developed to predict the effect of missense changes on protein structure and function are either unavailable or do not agree on the potential impact of this missense change (SIFT: "Tolerated"; PolyPhen-2: "Probably Damaging"; Align-GVGD: "Class C0").